The following is an entry in ClinVar:

NC_000011.9:g.(?_134009726)_(134134854_?)dup

Genes: ACAD8 (acyl-CoA dehydrogenase family member 8; plus strand), JAM3 (junctional adhesion molecule 3; plus strand), NCAPD3 (non-SMC condensin II complex subunit D3; minus strand), THYN1 (thymocyte nuclear protein 1; minus strand), VPS26B (VPS26 retromer complex component B; plus strand). Cytogenetic location: 11q25.
Variant type: Duplication.
Identifiers: ClinVar variation 2427067 (VCV002427067.4).

ClinVar aggregate classification (germline): Uncertain significance (1 of 4 stars; one submission).

Submission:

Labcorp Genetics (formerly Invitae), Labcorp
Classification: Uncertain significance. Last evaluated: 2022-09-12. Review status: criteria provided, single submitter. Criteria: Invitae Variant Classification Sherloc (09022015). Collection method: clinical testing. Allele origin: germline.
Comment: In summary, the available evidence is currently insufficient to determine the role of this variant in disease. Therefore, it has been classified as a Variant of Uncertain Significance. This variant has not been reported in the literature in individuals affected with JAM3-related conditions. This variant results in a copy number gain of the genomic region encompassing exon(s) 2-9 of the JAM3 gene. This region includes the termination codon of the gene. This copy number gain extends beyond the assayed region for this gene and therefore may encompass additional genes. As the precise location of this event is unknown, it may be in tandem or it may be located elsewhere in the genome.